The following is an entry in ClinVar:

NM_000093.5(COL5A1):c.3476G>A (p.Gly1159Glu)

Gene: COL5A1 (collagen type V alpha 1 chain; plus strand). Cytogenetic location: 9q34.3.
Variant type: single nucleotide variant.
Coding change: c.3476G>A on transcript NM_000093.5 (MANE Select); coding-DNA position 3476, G replaced by A.
Protein change: p.Gly1159Glu; replaces glycine 1159 with glutamic acid.
Molecular consequence: missense variant.
Genome position (GRCh38, 1-based): chr9:134,810,256, G>A. VCF-style: chr9-134810256-G-A. GRCh37 (hg19) VCF-style: chr9-137702102-G-A.
Other names: c.3476G>A, p.Gly1159Glu (NM_001278074.1); c.3476G>A (NM_000093.3); short protein forms G1159E.
Identifiers: ClinVar variation 969838 (VCV000969838.13), dbSNP rs1838466921, ClinGen allele CA375453544.
Genomic context (GRCh38, chr9:134,810,256, plus strand): 5'-CAGAAAAGGTCCAAACGGTTGTCAAGCTTTCTAACCGAATCCCCCACACCTTCCCCTAGG[G>A]AGAGATCGGGGAGCCGGGGCAGAAAGGAAGCAAGGGGGACAAAGGAGAACAGGTAAGTAT-3'
Protein context (NP_000084.3, residues 1149-1169): VGPPGEDGDK[Gly1159Glu]EIGEPGQKGS

ClinVar aggregate classification (germline): Uncertain significance. Review status: criteria provided, multiple submitters, no conflicts (2 of 4 stars). 3 submissions from 3 submitters: Uncertain significance (3). Last evaluated 2025-02-10.

Conditions:
Ehlers-Danlos syndrome, classic type, 1 (EDSCL1). Also called: EHLERS-DANLOS SYNDROME, GRAVIS TYPE; EHLERS-DANLOS SYNDROME, SEVERE CLASSIC TYPE; EDS I; Ehlers-Danlos Syndrome, Classic Type, COL5A1-Related; Ehlers-Danlos syndrome, type 1. Identifiers: MedGen C0268335, MONDO:0019567, OMIM 130000.
Familial thoracic aortic aneurysm and aortic dissection (TAAD). Also called: Thoracic aortic aneurysms and dissections. Identifiers: Orphanet 91387, MedGen C4707243, MONDO:0019625.

Submissions (3):

Labcorp Genetics (formerly Invitae), Labcorp
Classification: Uncertain significance for Ehlers-Danlos syndrome, classic type, 1. Last evaluated: 2025-02-10. Review status: criteria provided, single submitter. Criteria: Invitae Variant Classification Sherloc (09022015). Collection method: clinical testing. Allele origin: germline.
Comment: This sequence change replaces glycine, which is neutral and non-polar, with glutamic acid, which is acidic and polar, at codon 1159 of the COL5A1 protein (p.Gly1159Glu). This variant is not present in population databases (gnomAD no frequency). This variant has not been reported in the literature in individuals affected with COL5A1-related conditions. ClinVar contains an entry for this variant (Variation ID: 969838). Experimental studies and prediction algorithms are not available or were not evaluated, and the functional significance of this variant is currently unknown. This variant disrupts the triple helix domain of COL5A1. Glycine residues within the Gly-Xaa-Yaa repeats of the triple helix domain are required for the structure and stability of fibrillar collagens (PMID: 7695699, 8218237, 19344236), and variants at these glycine residues in COL5A1 are more frequently observed in individuals with disease than in the general population (PMID: 22696272, 23587214). However, the clinical significance of this observation remains uncertain since only a limited number of affected individuals have been described to date. In summary, the available evidence is currently insufficient to determine the role of this variant in disease. Therefore, it has been classified as a Variant of Uncertain Significance.

Ambry Genetics
Classification: Uncertain significance for Familial thoracic aortic aneurysm and aortic dissection. Last evaluated: 2024-04-15. Review status: criteria provided, single submitter. Criteria: Ambry Variant Classification Scheme 2023. Collection method: clinical testing. Allele origin: germline.
Comment: The p.G1159E variant (also known as c.3476G>A), located in coding exon 44 of the COL5A1 gene, results from a G to A substitution at nucleotide position 3476. The glycine at codon 1159 is replaced by glutamic acid, an amino acid with similar properties. Internal structural analysis indicates that this alteration disrupts the characteristic G-X-Y motif of the triple helical domain in the COL5A1 protein and inserts a bulky side chain into a sterically-constrained region (Bella J et al.Science.1994;266:75-81; Hohenester E et al.Proc. Natl.Acad. Sci.U.S.A.2008;105:18273-7; Ambry internal data). Glycine substitutions in the triple helical domain of COL5A1 have been reported in association with classic Ehlers-Danlos syndrome (cEDS), but the number of affected individuals is limited and several other COL5A1 glycine substitutions in the triple helical domain (e.g., p.G1078A and p.G1414A) are too common for disease in population databases (Symoens S et al.Hum. Mutat., 2012 Oct;33:1485-93; Ritelli M et al.Orphanet J Rare Dis.2013 Apr;8:58). This amino acid position is highly conserved in available vertebrate species. In addition, this alteration is predicted to be deleterious by in silico analysis. Based on the available evidence, the clinical significance of this variant remains unclear.

AiLife Diagnostics
Classification: Uncertain significance. Last evaluated: 2021-12-30. Review status: criteria provided, single submitter. Criteria: ACMG Guidelines, 2015. Collection method: clinical testing. Allele origin: germline. Affected: yes. Observed: 1 variant allele.

Literature cited by the submitters: PubMed 7695699 (cited by Labcorp Genetics (formerly Invitae), Labcorp); PubMed 8218237 (cited by Labcorp Genetics (formerly Invitae), Labcorp); PubMed 19344236 (cited by Labcorp Genetics (formerly Invitae), Labcorp); PubMed 22696272 (cited by Labcorp Genetics (formerly Invitae), Labcorp); PubMed 23587214 (cited by Labcorp Genetics (formerly Invitae), Labcorp).